The following is an entry in ClinVar:

NM_007294.4(BRCA1):c.661G>A (p.Ala221Thr)

Gene: BRCA1 (BRCA1 DNA repair associated; minus strand). Cytogenetic location: 17q21.31.
Variant type: single nucleotide variant.
Coding change: c.661G>A on transcript NM_007294.4 (MANE Select); coding-DNA position 661, G replaced by A.
Protein change: p.Ala221Thr; replaces alanine 221 with threonine.
Molecular consequence: missense variant. On other transcripts: intron variant (115).
Genome position (GRCh38, 1-based): chr17:43,095,855, C>T on the plus strand (G>A on the coding strand, the complement: BRCA1 is on the minus strand). VCF-style: chr17-43095855-C-T. GRCh37 (hg19) VCF-style: chr17-41247872-C-T.
Other names: c.451G>A, p.Ala151Thr (NM_001407886.1, NM_001407887.1, NM_001407889.1 and 27 more transcripts); c.448G>A, p.Ala150Thr (NM_001407894.1, NM_001407895.1, NM_001407896.1 and 12 more transcripts); c.520G>A, p.Ala174Thr (NM_001407942.1, NM_001407944.1, NM_001407945.1 and 43 more transcripts); c.517G>A, p.Ala173Thr (NM_001407943.1, NM_001408464.1, NM_001408465.1 and 26 more transcripts); c.280G>A, p.Ala94Thr (NM_001407959.1, NM_001407960.1, NM_001408510.1 and 1 more transcripts); c.277G>A, p.Ala93Thr (NM_001407962.1); c.661G>A, p.Ala221Thr (NM_001407976.1, NM_001407977.1, NM_001407978.1 and 58 more transcripts); c.658G>A, p.Ala220Thr (NM_001407984.1, NM_001408399.1, NM_001408400.1 and 41 more transcripts); and 17 more; short protein forms A150T, A151T, A173T, A174T, A176T, A194T, A195T, A218T.
Identifiers: ClinVar variation 4876134 (VCV004876134.1).
Genomic context (GRCh38, chr17:43,095,855, plus strand): 5'-TCTACCCACTCTCTTTTCAGTGCCTGTTAAGTTGGCAAACTTTGCCATTACCCTTTTTTG[C>T]AGAATCCAAACTGATTTCATCCCTGGTTCCTTGAGGGGTGATTTGTAACAATTCTTGATC-3'
Protein context (NP_009225.1, residues 211-231): GTRDEISLDS[Ala221Thr]KKAACEFSET

ClinVar aggregate classification (germline): Likely benign (1 of 4 stars; one submission).

Conditions:
Breast-ovarian cancer, familial, susceptibility to, 1 (BROVCA1). Also called: OVARIAN CANCER, SUSCEPTIBILITY TO; BRCA1 Hereditary Breast and Ovarian Cancer. Identifiers: Orphanet 145, MedGen C2676676, MONDO:0011450, OMIM 604370. Disease mechanism: loss of function.

gnomAD v4.1: 2 of 1,613,144 alleles (0.00012%); highest among the groups gnomAD compares: East Asian, 0.0045%; no homozygotes.

Submission:

Myriad Genetics, Inc.
Classification: Likely benign for Breast-ovarian cancer, familial, susceptibility to, 1. Last evaluated: 2026-05-06. Review status: criteria provided, single submitter. Criteria: Myriad Autosomal Dominant, Autosomal Recessive and X-Linked Classification Criteria (2023). Collection method: clinical testing. Allele origin: unknown.
Comment: This variant is considered likely benign. This variant been observed in trans with a known pathogenic variant in one or more individuals. Compound heterozygosity for pathogenic variants in this gene is generally assumed to result in embryonic lethality.